The following is an entry in ClinVar:

NM_001943.5(DSG2):c.2831C>G (p.Ser944Cys)

Genes: DSG2 (desmoglein 2; plus strand), DSG2-AS1 (DSG2 antisense RNA 1; minus strand). Cytogenetic location: 18q12.1.
Variant type: single nucleotide variant.
Coding change: c.2831C>G on transcript NM_001943.5 (MANE Select); coding-DNA position 2831, C replaced by G.
Protein change: p.Ser944Cys; replaces serine 944 with cysteine.
Molecular consequence: missense variant.
Genome position (GRCh38, 1-based): chr18:31,546,217, C>G. VCF-style: chr18-31546217-C-G. GRCh37 (hg19) VCF-style: chr18-29126180-C-G.
Other names: short protein forms S944C.
Identifiers: ClinVar variation 2762465 (VCV002762465.3), dbSNP rs2073307820, ClinGen allele CA402147051.

ClinVar aggregate classification (germline): Uncertain significance (1 of 4 stars; one submission).

Conditions:
Arrhythmogenic right ventricular dysplasia 10. Also called: Arrhythmogenic right ventricular dysplasia/cardiomyopathy, type 10; Arrhythmogenic Right Ventricular Dysplasia/Cardiomyopathy10; ARRHYTHMOGENIC RIGHT VENTRICULAR DYSPLASIA, FAMILIAL, 10. Identifiers: MedGen C1857777, MONDO:0012434, OMIM 610193.

Allele frequency attached by ClinVar (database versions not stated): TOPMed below 0.00001.

Submission:

Labcorp Genetics (formerly Invitae), Labcorp
Classification: Uncertain significance for Arrhythmogenic right ventricular dysplasia 10. Last evaluated: 2025-06-18. Review status: criteria provided, single submitter. Criteria: Invitae Variant Classification Sherloc (09022015). Collection method: clinical testing. Allele origin: germline.
Comment: This sequence change replaces serine, which is neutral and polar, with cysteine, which is neutral and slightly polar, at codon 944 of the DSG2 protein (p.Ser944Cys). This variant is not present in population databases (gnomAD no frequency). This variant has not been reported in the literature in individuals affected with DSG2-related conditions. ClinVar contains an entry for this variant (Variation ID: 2762465). Invitae Evidence Modeling of protein sequence and biophysical properties (such as structural, functional, and spatial information, amino acid conservation, physicochemical variation, residue mobility, and thermodynamic stability) has been performed for this missense variant. However, the output from this modeling did not meet the statistical confidence thresholds required to predict the impact of this variant on DSG2 protein function. In summary, the available evidence is currently insufficient to determine the role of this variant in disease. Therefore, it has been classified as a Variant of Uncertain Significance.